The following is an entry in ClinVar:

NM_015100.4(POGZ):c.3733G>T (p.Ala1245Ser)

Gene: POGZ (pogo transposable element derived with ZNF domain; minus strand). Cytogenetic location: 1q21.3.
Variant type: single nucleotide variant.
Coding change: c.3733G>T on transcript NM_015100.4 (MANE Select); coding-DNA position 3733, G replaced by T.
Protein change: p.Ala1245Ser; replaces alanine 1245 with serine.
Molecular consequence: missense variant.
Genome position (GRCh38, 1-based): chr1:151,405,302, C>A on the plus strand (G>T on the coding strand, the complement: POGZ is on the minus strand). VCF-style: chr1-151405302-C-A. GRCh37 (hg19) VCF-style: chr1-151377778-C-A.
Other names: c.3733G>T (NM_015100.3); c.3706G>T, p.Ala1236Ser (NM_001194937.2); c.3547G>T, p.Ala1183Ser (NM_001194938.2); c.3754G>T, p.Ala1252Ser (NM_001410860.1); c.3448G>T, p.Ala1150Ser (NM_145796.4); c.3574G>T, p.Ala1192Ser (NM_207171.2); short protein forms A1150S, A1183S, A1192S, A1236S, A1245S, A1252S.
Identifiers: ClinVar variation 2430338 (VCV002430338.3), dbSNP rs2529197434, ClinGen allele CA341939801.
Genomic context (GRCh38, chr1:151,405,302, plus strand): 5'-CTAATGGCTGAATTTTGGAGCTACAGCCTGCTGGGACCACTGCAGGCAAAGTGCTAGAGG[C>A]ACTAAGCATAGCCAGTACCTCTTCTGACAAGTGAGTGCGATGACAGTCCATCACAAGCAT-3'
Protein context (NP_055915.2, residues 1235-1255): LSEEVLAMLS[Ala1245Ser]SSTLPAVVPA

ClinVar aggregate classification (germline): Uncertain significance. Review status: criteria provided, multiple submitters, no conflicts (2 of 4 stars). 2 submissions from 2 submitters: Uncertain significance (2). Last evaluated 2024-03-05.

gnomAD v4.1: 3 of 1,614,204 alleles (0.00019%); highest among the groups gnomAD compares: Non-Finnish European, 0.00017%; no homozygotes.

Submissions (2):

GeneDx
Classification: Uncertain significance. Last evaluated: 2024-03-05. Review status: criteria provided, single submitter. Criteria: GeneDx Variant Classification Process June 2021. Collection method: clinical testing. Allele origin: germline. Affected: yes.
Comment: Not observed at significant frequency in large population cohorts (gnomAD); In silico analysis supports that this missense variant does not alter protein structure/function; Has not been previously published as pathogenic or benign to our knowledge

Centre of Medical Genetics, University Hospital Muenster
Classification: Uncertain significance. Last evaluated: 2022-10-27. Review status: criteria provided, single submitter. Criteria: ACMG Guidelines, 2015. Collection method: clinical testing. Allele origin: unknown. Affected: yes. Observed: 1 variant allele, 1 heterozygote.
Comment: ACMG categories: PM1,PM2,BP1